The following is an entry in ClinVar:

NM_004370.6(COL12A1):c.6064A>T (p.Thr2022Ser)

Gene: COL12A1 (collagen type XII alpha 1 chain; minus strand). Cytogenetic location: 6q13.
Variant type: single nucleotide variant.
Coding change: c.6064A>T on transcript NM_004370.6 (MANE Select); coding-DNA position 6064, A replaced by T.
Protein change: p.Thr2022Ser; replaces threonine 2022 with serine.
Molecular consequence: missense variant.
Genome position (GRCh38, 1-based): chr6:75,130,855, T>A on the plus strand (A>T on the coding strand, the complement: COL12A1 is on the minus strand). VCF-style: chr6-75130855-T-A. GRCh37 (hg19) VCF-style: chr6-75840571-T-A.
Other names: c.2572A>T, p.Thr858Ser (NM_080645.3); short protein forms T2022S, T858S.
Identifiers: ClinVar variation 1315676 (VCV001315676.6), dbSNP rs780638272, ClinGen allele CA3892918.

ClinVar aggregate classification (germline): Uncertain significance. Review status: criteria provided, multiple submitters, no conflicts (2 of 4 stars). 2 submissions from 2 submitters: Uncertain significance (2). Last evaluated 2022-10-08.

Conditions:
Ullrich congenital muscular dystrophy 2 (UCMD2). Identifiers: Orphanet 75840, MedGen C4225314, MONDO:0014654, OMIM 616470.
Bethlem myopathy 2 (BTHLM2). Identifiers: Orphanet 536516, Orphanet 610, MedGen C4225313, MONDO:0034022, OMIM 616471.

Allele frequency attached by ClinVar (database versions not stated): gnomAD exomes below 0.00001; ExAC 0.00001.
gnomAD v4.1: 6 of 1,613,982 alleles (0.00037%); highest among the groups gnomAD compares: Non-Finnish European, 0.00042%; no homozygotes.

Submissions (2):

Labcorp Genetics (formerly Invitae), Labcorp
Classification: Uncertain significance for Bethlem myopathy 2; Ullrich congenital muscular dystrophy 2. Last evaluated: 2022-10-08. Review status: criteria provided, single submitter. Criteria: Invitae Variant Classification Sherloc (09022015). Collection method: clinical testing. Allele origin: germline.
Comment: In summary, the available evidence is currently insufficient to determine the role of this variant in disease. Therefore, it has been classified as a Variant of Uncertain Significance. Advanced modeling of protein sequence and biophysical properties (such as structural, functional, and spatial information, amino acid conservation, physicochemical variation, residue mobility, and thermodynamic stability) has been performed at Invitae for this missense variant, however the output from this modeling did not meet the statistical confidence thresholds required to predict the impact of this variant on COL12A1 protein function. ClinVar contains an entry for this variant (Variation ID: 1315676). This variant has not been reported in the literature in individuals affected with COL12A1-related conditions. This variant is present in population databases (rs780638272, gnomAD 0.0009%). This sequence change replaces threonine, which is neutral and polar, with serine, which is neutral and polar, at codon 2022 of the COL12A1 protein (p.Thr2022Ser).

GeneDx
Classification: Uncertain significance. Last evaluated: 2020-09-25. Review status: criteria provided, single submitter. Criteria: GeneDx Variant Classification Process June 2021. Collection method: clinical testing. Allele origin: germline. Affected: yes.
Comment: Has not been previously published as pathogenic or benign to our knowledge; In silico analysis, which includes protein predictors and evolutionary conservation, supports that this variant does not alter protein structure/function; Not observed at a significant frequency in large population cohorts (Lek et al., 2016)